The following is an entry in ClinVar:

ClinVar aggregate classification (germline): Likely benign. Review status: criteria provided, multiple submitters, no conflicts (2 of 4 stars). 2 submissions from 2 submitters: Likely benign (2). Last evaluated 2024-08-27.

Conditions:
Autosomal recessive distal spinal muscular atrophy 1. Also called: NEURONOPATHY, SEVERE INFANTILE AXONAL, WITH RESPIRATORY FAILURE; SEVERE INFANTILE AXONAL NEUROPATHY WITH RESPIRATORY FAILURE; SPINAL MUSCULAR ATROPHY, DIAPHRAGMATIC; Spinal muscular atrophy with respiratory distress 1; HMN VI; NEURONOPATHY, DISTAL HEREDITARY MOTOR, HARDING TYPE VI. Identifiers: Orphanet 98920, MedGen C1858517, MONDO:0011436, OMIM 604320.
Charcot-Marie-Tooth disease axonal type 2S. Also called: CHARCOT-MARIE-TOOTH NEUROPATHY, TYPE 2S; CHARCOT-MARIE-TOOTH DISEASE, AXONAL, AUTOSOMAL RECESSIVE, TYPE 2S. Identifiers: Orphanet 443073, MedGen C4015349, MONDO:0014511, OMIM 616155.

Allele frequency attached by ClinVar (database versions not stated): gnomAD exomes 0.00001 and 0.00002; ExAC 0.00003; gnomAD 0.00005 and 0.00008; ESP Exome Variant Server 0.00008; TOPMed 0.00009.
gnomAD v4.1: 36 of 1,613,580 alleles (0.0022%); highest among the groups gnomAD compares: African/African-American, 0.019%; no homozygotes.

Submissions (2):

Labcorp Genetics (formerly Invitae), Labcorp
Classification: Likely benign for Autosomal recessive distal spinal muscular atrophy 1; Charcot-Marie-Tooth disease axonal type 2S. Last evaluated: 2024-08-27. Review status: criteria provided, single submitter. Criteria: Invitae Variant Classification Sherloc (09022015). Collection method: clinical testing. Allele origin: germline.

GeneDx
Classification: Likely benign. Last evaluated: 2018-03-01. Review status: criteria provided, single submitter. Criteria: GeneDx Variant Classification (06012015). Collection method: clinical testing. Allele origin: germline. Affected: yes.
Comment: This variant is considered likely benign or benign based on one or more of the following criteria: it is a conservative change, it occurs at a poorly conserved position in the protein, it is predicted to be benign by multiple in silico algorithms, and/or has population frequency not consistent with disease.

NM_002180.3(IGHMBP2):c.1633-14G>A

Gene: IGHMBP2 (immunoglobulin mu DNA binding protein 2; plus strand). Cytogenetic location: 11q13.3.
Variant type: single nucleotide variant.
Coding change: c.1633-14G>A on transcript NM_002180.3 (MANE Select); 14 bases into the intron before coding-DNA position 1633, G replaced by A.
Molecular consequence: intron variant.
Genome position (GRCh38, 1-based): chr11:68,935,285, G>A. VCF-style: chr11-68935285-G-A. GRCh37 (hg19) VCF-style: chr11-68702753-G-A.
Identifiers: ClinVar variation 387080 (VCV000387080.9), dbSNP rs368126775, ClinGen allele CA6153731.